The following is an entry in ClinVar:

ClinVar aggregate classification (germline): Uncertain significance (1 of 4 stars; one submission).

Conditions:
Bardet-Biedl syndrome (BBS). Identifiers: Orphanet 110, MedGen C0752166, MONDO:0015229.

Allele frequency attached by ClinVar (database versions not stated): TOPMed 0.00001.

Submission:

Labcorp Genetics (formerly Invitae), Labcorp
Classification: Uncertain significance for Bardet-Biedl syndrome. Last evaluated: 2022-11-03. Review status: criteria provided, single submitter. Criteria: Invitae Variant Classification Sherloc (09022015). Collection method: clinical testing. Allele origin: germline.
Comment: In summary, the available evidence is currently insufficient to determine the role of this variant in disease. Therefore, it has been classified as a Variant of Uncertain Significance. Advanced modeling of protein sequence and biophysical properties (such as structural, functional, and spatial information, amino acid conservation, physicochemical variation, residue mobility, and thermodynamic stability) performed at Invitae indicates that this missense variant is not expected to disrupt TTC8 protein function. This variant has not been reported in the literature in individuals affected with TTC8-related conditions. This variant is not present in population databases (gnomAD no frequency). This sequence change replaces glutamic acid, which is acidic and polar, with glutamine, which is neutral and polar, at codon 187 of the TTC8 protein (p.Glu187Gln).

NM_144596.4(TTC8):c.589G>C (p.Glu197Gln)

Gene: TTC8 (tetratricopeptide repeat domain 8; plus strand). Cytogenetic location: 14q31.3.
Variant type: single nucleotide variant.
Coding change: c.589G>C on transcript NM_144596.4 (MANE Select); coding-DNA position 589, G replaced by C.
Protein change: p.Glu197Gln; replaces glutamic acid 197 with glutamine.
Molecular consequence: missense variant. On other transcripts: 5 prime UTR variant (1), non-coding transcript variant (1), intron variant (1).
Genome position (GRCh38, 1-based): chr14:88,843,815, G>C. VCF-style: chr14-88843815-G-C. GRCh37 (hg19) VCF-style: chr14-89310159-G-C.
Other names: c.559G>C, p.Glu187Gln (NM_001288781.1, NM_001366535.2, NM_198309.3); c.-189G>C (NM_001288783.1); c.469G>C, p.Glu157Gln (NM_001366536.2, NM_198310.3); c.30+2258G>C (NM_001288782.1); short protein forms E157Q, E187Q, E197Q.
Identifiers: ClinVar variation 1714542 (VCV001714542.5), dbSNP rs2094793472, ClinGen allele CA390542633.